The following is an entry in ClinVar:

NM_002047.4(GARS1):c.1573T>C (p.Cys525Arg)

Gene: GARS1 (glycyl-tRNA synthetase 1; plus strand). Cytogenetic location: 7p14.3.
Variant type: single nucleotide variant.
Coding change: c.1573T>C on transcript NM_002047.4 (MANE Select); coding-DNA position 1573, T replaced by C.
Protein change: p.Cys525Arg; replaces cysteine 525 with arginine.
Molecular consequence: missense variant.
Genome position (GRCh38, 1-based): chr7:30,622,422, T>C. VCF-style: chr7-30622422-T-C. GRCh37 (hg19) VCF-style: chr7-30662038-T-C.
Other names: c.1411T>C, p.Cys471Arg (NM_001316772.1); short protein forms C525R, C471R.
Identifiers: ClinVar variation 951855 (VCV000951855.9), dbSNP rs752812365, ClinGen allele CA4206000.

ClinVar aggregate classification (germline): Uncertain significance (1 of 4 stars; one submission).

Conditions:
Charcot-Marie-Tooth disease type 2. Also called: Charcot-Marie-Tooth type 2. Identifiers: Orphanet 64746, MedGen C0270914, MONDO:0018993.

Allele frequency attached by ClinVar (database versions not stated): gnomAD 0.00001; TOPMed 0.00001; gnomAD exomes 0.00002; ExAC 0.00001.
gnomAD v4.1: 22 of 1,613,956 alleles (0.0014%); highest among the groups gnomAD compares: Non-Finnish European, 0.0016%; no homozygotes.

Submission:

Labcorp Genetics (formerly Invitae), Labcorp
Classification: Uncertain significance for Charcot-Marie-Tooth disease type 2. Last evaluated: 2022-09-22. Review status: criteria provided, single submitter. Criteria: Invitae Variant Classification Sherloc (09022015). Collection method: clinical testing. Allele origin: germline.
Comment: This variant is present in population databases (rs752812365, gnomAD 0.004%). This sequence change replaces cysteine, which is neutral and slightly polar, with arginine, which is basic and polar, at codon 525 of the GARS protein (p.Cys525Arg). This variant has not been reported in the literature in individuals affected with GARS-related conditions. ClinVar contains an entry for this variant (Variation ID: 951855). Advanced modeling of protein sequence and biophysical properties (such as structural, functional, and spatial information, amino acid conservation, physicochemical variation, residue mobility, and thermodynamic stability) performed at Invitae indicates that this missense variant is not expected to disrupt GARS protein function. In summary, the available evidence is currently insufficient to determine the role of this variant in disease. Therefore, it has been classified as a Variant of Uncertain Significance.